The following is an entry in ClinVar:

ClinVar aggregate classification (germline): Uncertain significance (1 of 4 stars; one submission).

Allele frequency attached by ClinVar (database versions not stated): gnomAD 0.00001.
gnomAD v4.1: 1 of 1,614,062 alleles (0.000062%); highest among the groups gnomAD compares: Non-Finnish European, 0.000085%; no homozygotes.

Submission:

GeneDx
Classification: Uncertain significance. Last evaluated: 2019-07-25. Review status: criteria provided, single submitter. Criteria: GeneDx Variant Classification Process June 2021. Collection method: clinical testing. Allele origin: germline. Affected: yes.
Comment: In silico analysis, which includes protein predictors and evolutionary conservation, supports that this variant does not alter protein structure/function; Has not been previously published as pathogenic or benign to our knowledge

NM_001256071.3(RNF213):c.9712G>A (p.Gly3238Ser)

Gene: RNF213 (ring finger protein 213; plus strand). Cytogenetic location: 17q25.3.
Variant type: single nucleotide variant.
Coding change: c.9712G>A on transcript NM_001256071.3 (MANE Select); coding-DNA position 9712, G replaced by A.
Protein change: p.Gly3238Ser; replaces glycine 3238 with serine.
Molecular consequence: missense variant.
Genome position (GRCh38, 1-based): chr17:80,348,047, G>A. VCF-style: chr17-80348047-G-A. GRCh37 (hg19) VCF-style: chr17-78321847-G-A.
Other names: short protein forms G3238S.
Identifiers: ClinVar variation 1317122 (VCV001317122.2), dbSNP rs1377261392, ClinGen allele CA401402686.